The following is an entry in ClinVar:

ClinVar aggregate classification (germline): Likely benign. Review status: criteria provided, single submitter (1 of 4 stars). 2 submissions from 2 submitters: Likely benign (1). 1 of the submissions does not count toward it. Last evaluated 2022-07-12.

Conditions:
PLXNA2-related disorder. Also called: PLXNA2-related condition.

gnomAD v4.1: 31 of 1,613,442 alleles (0.0019%); highest among the groups gnomAD compares: African/African-American, 0.028%; no homozygotes.

Submissions (2):

Labcorp Genetics (formerly Invitae), Labcorp
Classification: Likely benign. Last evaluated: 2022-07-12. Review status: criteria provided, single submitter. Criteria: Invitae Variant Classification Sherloc (09022015). Collection method: clinical testing. Allele origin: germline.

PreventionGenetics, part of Exact Sciences
Classification: Likely benign for PLXNA2-related condition. Last evaluated: 2021-12-16. Review status: no assertion criteria provided. Collection method: clinical testing. Allele origin: germline. Not counted in ClinVar's aggregate classification.
Comment: This variant is classified as likely benign based on ACMG/AMP sequence variant interpretation guidelines (Richards et al. 2015 PMID: 25741868, with internal and published modifications).

NM_025179.4(PLXNA2):c.3072C>T (p.Val1024=)

Gene: PLXNA2 (plexin A2; minus strand). Cytogenetic location: 1q32.2.
Variant type: single nucleotide variant.
Coding change: c.3072C>T on transcript NM_025179.4 (MANE Select); coding-DNA position 3072, C replaced by T.
Protein change: p.Val1024=; no amino-acid change (valine 1024 retained).
Molecular consequence: synonymous variant.
Genome position (GRCh38, 1-based): chr1:208,051,345, G>A on the plus strand (C>T on the coding strand, the complement: PLXNA2 is on the minus strand). VCF-style: chr1-208051345-G-A. GRCh37 (hg19) VCF-style: chr1-208224690-G-A.
Other names: c.3072C>T (NM_025179.3).
Identifiers: ClinVar variation 2056270 (VCV002056270.6), dbSNP rs775097684, ClinGen allele CA1373296.